The following is an entry in ClinVar:

NM_000320.3(QDPR):c.451G>A (p.Gly151Ser)

Gene: QDPR (quinoid dihydropteridine reductase; minus strand). Cytogenetic location: 4p15.32.
Variant type: single nucleotide variant.
Coding change: c.451G>A on transcript NM_000320.3 (MANE Select); coding-DNA position 451, G replaced by A.
Protein change: p.Gly151Ser; replaces glycine 151 with serine.
Molecular consequence: missense variant.
Genome position (GRCh38, 1-based): chr4:17,492,326, C>T on the plus strand (G>A on the coding strand, the complement: QDPR is on the minus strand). VCF-style: chr4-17492326-C-T. GRCh37 (hg19) VCF-style: chr4-17493949-C-T.
Other names: c.358G>A, p.Gly120Ser (NM_001306140.2); short protein forms G120S, G151S.
Identifiers: ClinVar variation 3251699 (VCV003251699.6), dbSNP rs1718196012.
Genomic context (GRCh38, chr4:17,492,326, plus strand): 5'-TGCCGCTGTTCTTCCCAGCCAGGCTCTGGCAGAGCTGGTGAACAGCACCCTTGGCCATGC[C>T]GTACCCGATCATACCTGGGAAATGGGGAGAAGATGGCTCAGTGACCACTGGCGGCCAGGG-3'
Protein context (NP_000311.2, residues 141-161): LDGTPGMIGY[Gly151Ser]MAKGAVHQLC

ClinVar aggregate classification (germline): Conflicting classifications of pathogenicity. Review status: criteria provided, conflicting classifications (1 of 4 stars). 5 submissions from 5 submitters: Pathogenic (1); Likely pathogenic (3); Uncertain significance (1). Last evaluated 2025-09-09.

Conditions:
Dihydropteridine reductase deficiency (HPABH4C). Also called: BH4-Deficient Hyperphenylalaninemia C; HYPERPHENYLALANINEMIA, TETRAHYDROBIOPTERIN-DEFICIENT, DUE TO DHPR DEFICIENCY; QDPR DEFICIENCY; QUINOID DIHYDROPTERIDINE REDUCTASE DEFICIENCY; DHPR DEFICIENCY; Phenylketonuria II. Identifiers: Orphanet 226, Orphanet 238583, MedGen C0268465, MONDO:0009862, OMIM 261630.

Allele frequency attached by ClinVar (database versions not stated): TOPMed below 0.00001.
gnomAD v4.1: 3 of 1,614,120 alleles (0.00019%); highest among the groups gnomAD compares: South Asian, 0.0011%; no homozygotes.

Submissions (5):

3billion
Classification: Likely pathogenic for Dihydropteridine reductase deficiency. Last evaluated: 2025-09-09. Review status: criteria provided, single submitter. Criteria: ACMG Guidelines, 2015. Collection method: clinical testing. Allele origin: germline. Affected: yes.
Comment: The variant is observed at an extremely low frequency in the gnomAD v4.1.0 dataset (total allele frequency: <0.001%). Predicted Consequence/Location: Missense variant In silico tool predictions suggest damaging effect of the variant on gene or gene product [REVEL: 0.79 (>=0.6, sensitivity 0.68 and specificity 0.92); 3Cnet: 0.98 (> 0.75, sensitivity 0.96 and precision 0.92)]. The same nucleotide change resulting in the same amino acid change has been previously reported as pathogenic/likely pathogenic with strong evidence (ClinVar ID: VCV003251699 /PMID: 1283784). The variant has been reported to be in trans with a pathogenic variant as either compound heterozygous or homozygous in at least one similarly affected unrelated individual (PMID: 1283784). A different missense change at the same codon (p.Gly151Arg) has been reported to be associated with QDPR-related disorder (PMID: 23138986). Therefore, this variant is classified as Likely pathogenic according to the recommendation of ACMG/AMP guideline.

Labcorp Genetics (formerly Invitae), Labcorp
Classification: Pathogenic for Dihydropteridine reductase deficiency. Last evaluated: 2024-12-16. Review status: criteria provided, single submitter. Criteria: Invitae Variant Classification Sherloc (09022015). Collection method: clinical testing. Allele origin: germline.
Comment: This sequence change replaces glycine, which is neutral and non-polar, with serine, which is neutral and polar, at codon 151 of the QDPR protein (p.Gly151Ser). This variant is not present in population databases (gnomAD no frequency). This missense change has been observed in individual(s) with biopterin-deficient hyperphenylalaninemia (PMID: 1283784, 29594647). ClinVar contains an entry for this variant (Variation ID: 3251699). An algorithm developed to predict the effect of missense changes on protein structure and function (PolyPhen-2) suggests that this variant is likely to be disruptive. Experimental studies are conflicting or provide insufficient evidence to determine the effect of this variant on QDPR function (PMID: 9744478). This variant disrupts the p.Gly151 amino acid residue in QDPR. Other variant(s) that disrupt this residue have been observed in individuals with QDPR-related conditions (PMID: 23138986), which suggests that this may be a clinically significant amino acid residue. For these reasons, this variant has been classified as Pathogenic.

Fulgent Genetics
Classification: Likely pathogenic for Dihydropteridine reductase deficiency. Last evaluated: 2024-04-30. Review status: criteria provided, single submitter. Criteria: ACMG Guidelines, 2015. Collection method: clinical testing. Allele origin: germline.

Women's Health and Genetics/Laboratory Corporation of America, LabCorp
Classification: Likely pathogenic for Dihydropteridine reductase deficiency. Last evaluated: 2024-04-25. Review status: criteria provided, single submitter. Criteria: LabCorp Variant Classification Summary - May 2015. Collection method: clinical testing. Allele origin: germline.
Comment: Variant summary: QDPR c.451G>A (p.Gly151Ser) results in a non-conservative amino acid change in the encoded protein sequence. Five of five in-silico tools predict a damaging effect of the variant on protein function. The variant was absent in 249578 control chromosomes. c.451G>A has been reported in the literature in at-least one individual affected with mild Dihydropteridine Reductase Deficiency (example, Blau_1992, Kuseyri_2018). These data indicate that the variant may be associated with disease. At least one publication reports experimental evidence evaluating an impact on protein function. The most pronounced variant effect results in 10%-<30% of normal enzyme kinetic parameters in E. coli (Dianzani_1999). The following publications have been ascertained in the context of this evaluation (PMID: 1283784, 9744478, 29594647). No submitters have cited clinical-significance assessments for this variant to ClinVar. Based on the evidence outlined above, the variant was classified as likely pathogenic.

Blueprint Genetics
Classification: Uncertain significance. Last evaluated: 2023-11-03. Review status: criteria provided, single submitter. Criteria: ACMG Guidelines, 2015. Collection method: clinical testing. Allele origin: germline.

Literature cited by the submitters: PubMed 1283784 (cited by 3 submitters); PubMed 23138986 (cited by 3billion and Labcorp Genetics (formerly Invitae), Labcorp); PubMed 29594647 (cited by Labcorp Genetics (formerly Invitae), Labcorp and Women's Health and Genetics/Laboratory Corporation of America, LabCorp); PubMed 9744478 (cited by Labcorp Genetics (formerly Invitae), Labcorp and Women's Health and Genetics/Laboratory Corporation of America, LabCorp).